The following is an entry in ClinVar:

ClinVar aggregate classification (germline): Pathogenic. Review status: criteria provided, multiple submitters, no conflicts (2 of 4 stars). 3 submissions from 3 submitters: Pathogenic (2). 1 of the submissions does not count toward it. Last evaluated 2025-02-21.

Conditions:
Autosomal recessive nonsyndromic hearing loss 1A (DFNB1A). Also called: GJB6-Related DFNB 1 Nonsyndromic Hearing Loss and Deafness; Deafness, autosomal recessive 1A; Connexin 26 deafness; Deafness nonsyndromic, Connexin 26 linked; Nonsyndromic Hearing Loss and Deafness, DFNB1; GJB2-Related Autosomal Recessive Nonsyndromic Hearing Loss. Identifiers: Orphanet 90636, MedGen C2673759, MONDO:0009076, OMIM 220290.

Allele frequency attached by ClinVar (database versions not stated): TOPMed below 0.00001.

Submissions (3):

Natera, Inc.
Classification: Pathogenic for Autosomal recessive deafness type 1A. Last evaluated: 2025-02-21. Review status: criteria provided, single submitter. Criteria: Natera Variant Classification Schema (03/2026). Collection method: clinical testing. Allele origin: germline.
Comment: The c.72G>A variant in GJB2 is a nonsense variant predicted to introduce a stop codon at amino acid 24. This variant is expected to result in nonsense mediated decay, truncation, or a dysfunctional protein product. This variant is rare in the general population with a frequency below the threshold expected for the associated phenotype(s). This variant has been observed in one or more individuals affected with the associated recessive disease, as either homozygous or compound heterozygous with a second variant (PMID: 26096904, 16931589, 19715472, 11587277, 21042228). Given the available evidence, this variant is classified as Pathogenic.

Labcorp Genetics (formerly Invitae), Labcorp
Classification: Pathogenic. Last evaluated: 2023-07-17. Review status: criteria provided, single submitter. Criteria: Invitae Variant Classification Sherloc (09022015). Collection method: clinical testing. Allele origin: germline.
Comment: For these reasons, this variant has been classified as Pathogenic. This premature translational stop signal has been observed in individual(s) with GJB2-related conditions (PMID: 24949729, 29106882, 30872814, 30989077). This sequence change creates a premature translational stop signal (p.Trp24*) in the GJB2 gene. While this is not anticipated to result in nonsense mediated decay, it is expected to disrupt the last 203 amino acid(s) of the GJB2 protein. This variant is not present in population databases (gnomAD no frequency). ClinVar contains an entry for this variant (Variation ID: 554744). This variant disrupts a region of the GJB2 protein in which other variant(s) (p.Arg216Ilefs*17) have been determined to be pathogenic (PMID: 24949729, 29106882, 30872814, 30989077). This suggests that this is a clinically significant region of the protein, and that variants that disrupt it are likely to be disease-causing.

Counsyl
Classification: Pathogenic for Autosomal recessive nonsyndromic hearing loss 1A. Last evaluated: 2017-11-02. Review status: no assertion criteria provided. Collection method: clinical testing. Allele origin: unknown. Not counted in ClinVar's aggregate classification.

Literature cited by the submitters: PubMed 26096904 (cited by Natera, Inc.); PubMed 16931589 (cited by Natera, Inc.); PubMed 19715472 (cited by Natera, Inc.); PubMed 11587277 (cited by Natera, Inc.); PubMed 21042228 (cited by Natera, Inc.); PubMed 24949729 (cited by Labcorp Genetics (formerly Invitae), Labcorp); PubMed 29106882 (cited by Labcorp Genetics (formerly Invitae), Labcorp); PubMed 30872814 (cited by Labcorp Genetics (formerly Invitae), Labcorp); PubMed 30989077 (cited by Labcorp Genetics (formerly Invitae), Labcorp); PubMed 16380907 (cited by Counsyl).

NM_004004.6(GJB2):c.72G>A (p.Trp24Ter)

Gene: GJB2 (gap junction protein beta 2; minus strand). Cytogenetic location: 13q12.11.
Variant type: single nucleotide variant.
Coding change: c.72G>A on transcript NM_004004.6 (MANE Select); coding-DNA position 72, G replaced by A.
Protein change: p.Trp24Ter; replaces tryptophan 24 with a stop codon.
Molecular consequence: nonsense.
Genome position (GRCh38, 1-based): chr13:20,189,510, C>T on the plus strand (G>A on the coding strand, the complement: GJB2 is on the minus strand). VCF-style: chr13-20189510-C-T. GRCh37 (hg19) VCF-style: chr13-20763649-C-T.
Other names: short protein forms W24*.
Identifiers: ClinVar variation 554744 (VCV000554744.8), dbSNP rs769486081, ClinGen allele CA387462076.